The following is an entry in ClinVar:

NM_020975.6(RET):c.76G>T (p.Ala26Ser)

Gene: RET (ret proto-oncogene; plus strand). Cytogenetic location: 10q11.21.
Variant type: single nucleotide variant.
Coding change: c.76G>T on transcript NM_020975.6 (MANE Select); coding-DNA position 76, G replaced by T.
Protein change: p.Ala26Ser; replaces alanine 26 with serine.
Molecular consequence: missense variant.
Genome position (GRCh38, 1-based): chr10:43,100,461, G>T. VCF-style: chr10-43100461-G-T. GRCh37 (hg19) VCF-style: chr10-43595909-G-T.
Other names: c.76G>T, p.Ala26Ser (NM_001406770.1, NM_001406771.1, NM_001406778.1 and 34 more transcripts); short protein forms A26S.
Identifiers: ClinVar variation 477387 (VCV000477387.12), dbSNP rs1554817350, ClinGen allele CA376770037.
Genomic context (GRCh38, chr10:43,100,461, plus strand): 5'-TTGTCCTTGAAGAAGCCTTATTCTCACCATCCCTCACTCACTTCCCTACTTCCCACAGTG[G>T]CATTGGGCCTCTACTTCTCGAGGGATGCTTACTGGGAGAAGCTGTATGTGGACCAGGCAG-3'
Protein context (NP_066124.1, residues 16-36): LLLLPLLGKV[Ala26Ser]LGLYFSRDAY

ClinVar aggregate classification (germline): Uncertain significance. Review status: criteria provided, multiple submitters, no conflicts (2 of 4 stars). 2 submissions from 2 submitters: Uncertain significance (2). Last evaluated 2024-06-26.

Conditions:
Multiple endocrine neoplasia, type 2 (MEN2). Identifiers: Orphanet 653, MedGen C4048306, MONDO:0019003. Disease mechanism: gain of function.
Hereditary cancer-predisposing syndrome. Also called: Neoplastic Syndromes, Hereditary; Hereditary Cancer Syndrome; Hereditary neoplastic syndrome; Tumor predisposition. Identifiers: Orphanet 140162, MedGen C0027672, MeSH D009386, MONDO:0015356.

Allele frequency attached by ClinVar (database versions not stated): gnomAD exomes below 0.00001.
gnomAD v4.1: 1 of 1,613,332 alleles (0.000062%); highest among the groups gnomAD compares: Non-Finnish European, 0.000085%; no homozygotes.

Submissions (2):

Ambry Genetics
Classification: Uncertain significance for Hereditary cancer-predisposing syndrome. Last evaluated: 2024-06-26. Review status: criteria provided, single submitter. Criteria: Ambry Variant Classification Scheme 2023. Collection method: clinical testing. Allele origin: germline.
Comment: The p.A26S variant (also known as c.76G>T), located in coding exon 2 of the RET gene, results from a G to T substitution at nucleotide position 76. The alanine at codon 26 is replaced by serine, an amino acid with similar properties. This amino acid position is conserved. In addition, this alteration is predicted to be tolerated by in silico analysis. Based on the available evidence, the clinical significance of this variant remains unclear.

Labcorp Genetics (formerly Invitae), Labcorp
Classification: Uncertain significance for Multiple endocrine neoplasia, type 2. Last evaluated: 2023-02-21. Review status: criteria provided, single submitter. Criteria: Invitae Variant Classification Sherloc (09022015). Collection method: clinical testing. Allele origin: germline.
Comment: In summary, the available evidence is currently insufficient to determine the role of this variant in disease. Therefore, it has been classified as a Variant of Uncertain Significance. An algorithm developed to predict the effect of missense changes on protein structure and function (PolyPhen-2) suggests that this variant is likely to be tolerated. ClinVar contains an entry for this variant (Variation ID: 477387). This variant has not been reported in the literature in individuals affected with RET-related conditions. This variant is not present in population databases (gnomAD no frequency). This sequence change replaces alanine, which is neutral and non-polar, with serine, which is neutral and polar, at codon 26 of the RET protein (p.Ala26Ser).